The following is an entry in ClinVar:

ClinVar aggregate classification (germline): Likely pathogenic. Review status: criteria provided, multiple submitters, no conflicts (2 of 4 stars). 2 submissions from 2 submitters: Likely pathogenic (2). Last evaluated 2024-12-27.

Conditions:
Methylmalonic acidemia (MMA). Also called: Isolated Methylmalonic Acidemia. Identifiers: MedGen C0268583, MeSH C537358, MONDO:0002012, HP:0002912.

Submissions (2):

Women's Health and Genetics/Laboratory Corporation of America, LabCorp
Classification: Likely pathogenic for Methylmalonic acidemia. Last evaluated: 2024-12-27. Review status: criteria provided, single submitter. Criteria: LabCorp Variant Classification Summary - May 2015. Collection method: clinical testing. Allele origin: germline.
Comment: Variant summary: MUT c.410C>G (p.Ala137Gly) results in a non-conservative amino acid change in the encoded protein sequence. Five of five in-silico tools predict a damaging effect of the variant on protein function. The variant was absent in 241242 control chromosomes (gnomAD). c.410C>G has been reported in the literature in individuals affected with Methylmalonic Acidemia (Dundar_2012, Seker Yilmaz_2021). These data indicate that the variant is likely to be associated with disease. To our knowledge, no experimental evidence demonstrating an impact on protein function has been reported. The following publications have been ascertained in the context of this evaluation (PMID: 22727635, 33453710). ClinVar contains an entry for this variant (Variation ID: 426573). Based on the evidence outlined above, the variant was classified as likely pathogenic.

GeneDx
Classification: Likely pathogenic. Last evaluated: 2021-02-05. Review status: criteria provided, single submitter. Criteria: GeneDx Variant Classification Process June 2021. Collection method: clinical testing. Allele origin: germline. Affected: yes.
Comment: Not observed in large population cohorts (Lek et al., 2016); Missense variants in this gene are often considered pathogenic (Stenson et al., 2014); In silico analysis supports that this missense variant has a deleterious effect on protein structure/function; This variant is associated with the following publications: (PMID: 22727635)

Literature cited by the submitters: PubMed 22727635 (cited by Women's Health and Genetics/Laboratory Corporation of America, LabCorp); PubMed 33453710 (cited by Women's Health and Genetics/Laboratory Corporation of America, LabCorp).

NM_000255.4(MMUT):c.410C>G (p.Ala137Gly)

Gene: MMUT (methylmalonyl-CoA mutase; minus strand). Cytogenetic location: 6p12.3.
Variant type: single nucleotide variant.
Coding change: c.410C>G on transcript NM_000255.4 (MANE Select); coding-DNA position 410, C replaced by G.
Protein change: p.Ala137Gly; replaces alanine 137 with glycine.
Molecular consequence: missense variant.
Genome position (GRCh38, 1-based): chr6:49,458,034, G>C on the plus strand (C>G on the coding strand, the complement: MMUT is on the minus strand). VCF-style: chr6-49458034-G-C. GRCh37 (hg19) VCF-style: chr6-49425747-G-C.
Other names: short protein forms A137G.
Identifiers: ClinVar variation 426573 (VCV000426573.4), dbSNP rs941483851, ClinGen allele CA138800018.